The following is an entry in ClinVar:

ClinVar aggregate classification (germline): Uncertain significance. Review status: criteria provided, multiple submitters, no conflicts (2 of 4 stars). 2 submissions from 2 submitters: Uncertain significance (2). Last evaluated 2025-11-03.

Conditions:
Inborn genetic diseases. Identifiers: MedGen C0950123, MeSH D030342.

gnomAD v4.1: 14 of 441,228 alleles (0.0032%); highest among the groups gnomAD compares: Non-Finnish European, 0.0059%; no homozygotes.

Submissions (2):

Labcorp Genetics (formerly Invitae), Labcorp
Classification: Uncertain significance. Last evaluated: 2025-11-03. Review status: criteria provided, single submitter. Criteria: Invitae Variant Classification Sherloc (09022015). Collection method: clinical testing. Allele origin: germline.
Comment: This sequence change replaces valine, which is neutral and non-polar, with isoleucine, which is neutral and non-polar, at codon 706 of the FOCAD protein (p.Val706Ile). This variant is present in population databases (rs370449570, gnomAD 0.002%). This variant has not been reported in the literature in individuals affected with FOCAD-related conditions. ClinVar contains an entry for this variant (Variation ID: 3851139). An algorithm developed to predict the effect of missense changes on protein structure and function outputs the following: PolyPhen-2: "Not Available". The isoleucine amino acid residue is found in multiple mammalian species, which suggests that this missense change does not adversely affect protein function. In summary, the available evidence is currently insufficient to determine the role of this variant in disease. Therefore, it has been classified as a Variant of Uncertain Significance.

Ambry Genetics
Classification: Uncertain significance for Inborn genetic diseases. Last evaluated: 2024-12-23. Review status: criteria provided, single submitter. Criteria: Ambry Variant Classification Scheme 2023. Collection method: clinical testing. Allele origin: germline.

NM_001375567.1(FOCAD):c.2116G>A (p.Val706Ile)

Gene: FOCAD (focadhesin; plus strand). Cytogenetic location: 9p21.3.
Variant type: single nucleotide variant.
Coding change: c.2116G>A on transcript NM_001375567.1 (MANE Select); coding-DNA position 2116, G replaced by A.
Protein change: p.Val706Ile; replaces valine 706 with isoleucine.
Molecular consequence: missense variant.
Genome position (GRCh38, 1-based): chr9:20,866,938, G>A. VCF-style: chr9-20866938-G-A. GRCh37 (hg19) VCF-style: chr9-20866937-G-A.
Other names: c.2011G>A, p.Val671Ile (NM_001375568.1, NM_001375570.1); c.2116G>A, p.Val706Ile (NM_017794.5); short protein forms V706I, V671I.
Identifiers: ClinVar variation 3851139 (VCV003851139.2).
Genomic context (GRCh38, chr9:20,866,938, plus strand): 5'-TGTTTGCTTGCTTTTTTTTTTTTTTTTTTTTTTTTTTTTTACCCTATCTAGGACCCAATT[G>A]TAGCAAATGCTGCATATAGATCCCTGGCCAACTTTAGTGCAGGAGAACACACCATTCTTC-3'
Protein context (NP_001362496.1, residues 696-716): WTHTQNKDPI[Val706Ile]ANAAYRSLAN